The following is an entry in ClinVar:

ClinVar aggregate classification (germline): Uncertain significance (1 of 4 stars; one submission).

Submission:

GeneDx
Classification: Uncertain significance. Last evaluated: 2025-08-28. Review status: criteria provided, single submitter. Criteria: GeneDx Variant Classification Process June 2021. Collection method: clinical testing. Allele origin: germline. Affected: yes.
Comment: Not observed at significant frequency in large population cohorts (gnomAD); In silico analysis suggests that this missense variant does not alter protein structure/function; Has not been previously published as pathogenic or benign to our knowledge

NM_152296.5(ATP1A3):c.1670A>G (p.Lys557Arg)

Gene: ATP1A3 (ATPase Na+/K+ transporting subunit alpha 3; minus strand). Cytogenetic location: 19q13.2.
Variant type: single nucleotide variant.
Coding change: c.1670A>G on transcript NM_152296.5 (MANE Select); coding-DNA position 1670, A replaced by G.
Protein change: p.Lys557Arg; replaces lysine 557 with arginine.
Molecular consequence: missense variant.
Genome position (GRCh38, 1-based): chr19:41,978,287, T>C on the plus strand (A>G on the coding strand, the complement: ATP1A3 is on the minus strand). VCF-style: chr19-41978287-T-C. GRCh37 (hg19) VCF-style: chr19-42482439-T-C.
Other names: c.1703A>G, p.Lys568Arg (NM_001256213.2); c.1709A>G, p.Lys570Arg (NM_001256214.2); short protein forms K557R, K568R, K570R.
Identifiers: ClinVar variation 1306728 (VCV001306728.4), dbSNP rs2145965091, ClinGen allele CA406045972.